The following is an entry in ClinVar:

ClinVar aggregate classification (germline): Conflicting classifications of pathogenicity. Review status: criteria provided, conflicting classifications (1 of 4 stars). 2 submissions from 2 submitters: Uncertain significance (1); Likely benign (1). Last evaluated 2024-07-19.

Conditions:
Joubert syndrome. Also called: JOUBERT-BOLTSHAUSER SYNDROME; Familial aplasia of the vermis. Identifiers: Orphanet 475, MedGen C5979921, MONDO:0018772.
Meckel-Gruber syndrome. Also called: Dysencephalia splachnocystica; DYSENCEPHALIA SPLANCHNOCYSTICA; GRUBER SYNDROME. Identifiers: Orphanet 564, MedGen C0265215, MONDO:0018921.

Allele frequency attached by ClinVar (database versions not stated): gnomAD 0.00002; gnomAD exomes 0.00002 and 0.00003; ExAC 0.00003; ESP Exome Variant Server 0.00008.

Submissions (2):

Labcorp Genetics (formerly Invitae), Labcorp
Classification: Uncertain significance for Joubert syndrome; Meckel-Gruber syndrome. Last evaluated: 2024-07-19. Review status: criteria provided, single submitter. Criteria: Invitae Variant Classification Sherloc (09022015). Collection method: clinical testing. Allele origin: germline.
Comment: This sequence change replaces glycine, which is neutral and non-polar, with aspartic acid, which is acidic and polar, at codon 220 of the RPGRIP1L protein (p.Gly220Asp). This variant is present in population databases (rs139259555, gnomAD 0.005%). This variant has not been reported in the literature in individuals affected with RPGRIP1L-related conditions. ClinVar contains an entry for this variant (Variation ID: 1404653). Advanced modeling of protein sequence and biophysical properties (such as structural, functional, and spatial information, amino acid conservation, physicochemical variation, residue mobility, and thermodynamic stability) performed at Invitae indicates that this missense variant is not expected to disrupt RPGRIP1L protein function with a negative predictive value of 80%. In summary, the available evidence is currently insufficient to determine the role of this variant in disease. Therefore, it has been classified as a Variant of Uncertain Significance.

Blueprint Genetics
Classification: Likely benign. Last evaluated: 2024-03-28. Review status: criteria provided, single submitter. Criteria: ACMG Guidelines, 2015. Collection method: clinical testing. Allele origin: germline.

NM_015272.5(RPGRIP1L):c.659G>A (p.Gly220Asp)

Gene: RPGRIP1L (RPGRIP1 like; minus strand). Cytogenetic location: 16q12.2.
Variant type: single nucleotide variant.
Coding change: c.659G>A on transcript NM_015272.5 (MANE Select); coding-DNA position 659, G replaced by A.
Protein change: p.Gly220Asp; replaces glycine 220 with aspartic acid.
Molecular consequence: missense variant.
Genome position (GRCh38, 1-based): chr16:53,686,550, C>T on the plus strand (G>A on the coding strand, the complement: RPGRIP1L is on the minus strand). VCF-style: chr16-53686550-C-T. GRCh37 (hg19) VCF-style: chr16-53720462-C-T.
Other names: c.659G>A, p.Gly220Asp (NM_001127897.4, NM_001308334.3, NM_001330538.2); short protein forms G220D.
Identifiers: ClinVar variation 1404653 (VCV001404653.8), dbSNP rs139259555, ClinGen allele CA8058052.